The following is an entry in ClinVar:

NM_004006.3(DMD):c.9584G>A (p.Arg3195His)

Gene: DMD (dystrophin; minus strand). Cytogenetic location: Xp21.2.
Variant type: single nucleotide variant.
Coding change: c.9584G>A on transcript NM_004006.3 (MANE Select); coding-DNA position 9584, G replaced by A.
Protein change: p.Arg3195His; replaces arginine 3195 with histidine.
Molecular consequence: missense variant.
Genome position (GRCh38, 1-based): chrX:31,206,647, C>T on the plus strand (G>A on the coding strand, the complement: DMD is on the minus strand). VCF-style: chrX-31206647-C-T. GRCh37 (hg19) VCF-style: chrX-31224764-C-T.
Other names: c.9560G>A, p.Arg3187His (NM_000109.4); c.9572G>A, p.Arg3191His (NM_004009.3); c.9215G>A, p.Arg3072His (NM_004010.3); c.5561G>A, p.Arg1854His (NM_004011.4); c.5552G>A, p.Arg1851His (NM_004012.4); c.2204G>A, p.Arg735His (NM_004013.3, NM_004020.4, NM_004021.3 and 2 more transcripts); c.1397G>A, p.Arg466His (NM_004014.3); c.380G>A, p.Arg127His (NM_004015.3, NM_004016.3, NM_004017.3 and 2 more transcripts); short protein forms R1851H, R3072H, R3191H, R3195H, R466H, R127H, R1854H, R735H.
Identifiers: ClinVar variation 1433192 (VCV001433192.7), dbSNP rs756958090, ClinGen allele CA10377774.

ClinVar aggregate classification (germline): Uncertain significance. Review status: criteria provided, multiple submitters, no conflicts (2 of 4 stars). 2 submissions from 2 submitters: Uncertain significance (2). Last evaluated 2024-08-13.

Conditions:
Duchenne muscular dystrophy (DMD). Also called: MUSCULAR DYSTROPHY, PSEUDOHYPERTROPHIC PROGRESSIVE, DUCHENNE TYPE; Duchenne Muscular Dystrophy (DMD). Identifiers: Orphanet 98896, MedGen C0013264, MONDO:0010679, OMIM 310200.
Cardiovascular phenotype. Identifiers: MedGen CN230736.

Allele frequency attached by ClinVar (database versions not stated): ExAC 0.00001; gnomAD exomes 0.00001; gnomAD 0.00002; TOPMed 0.00005.
gnomAD v4.1: 34 of 1,207,900 alleles (0.0028%); highest among the groups gnomAD compares: African/African-American, 0.0035%; no homozygotes.

Submissions (2):

Labcorp Genetics (formerly Invitae), Labcorp
Classification: Uncertain significance for Duchenne muscular dystrophy. Last evaluated: 2024-08-13. Review status: criteria provided, single submitter. Criteria: Invitae Variant Classification Sherloc (09022015). Collection method: clinical testing. Allele origin: germline.
Comment: This sequence change replaces arginine, which is basic and polar, with histidine, which is basic and polar, at codon 3195 of the DMD protein (p.Arg3195His). The frequency data for this variant in the population databases is considered unreliable, as metrics indicate poor data quality at this position in the gnomAD database. This variant has not been reported in the literature in individuals affected with DMD-related conditions. ClinVar contains an entry for this variant (Variation ID: 1433192). Invitae Evidence Modeling of protein sequence and biophysical properties (such as structural, functional, and spatial information, amino acid conservation, physicochemical variation, residue mobility, and thermodynamic stability) indicates that this missense variant is not expected to disrupt DMD protein function with a negative predictive value of 95%. In summary, the available evidence is currently insufficient to determine the role of this variant in disease. Therefore, it has been classified as a Variant of Uncertain Significance.

Ambry Genetics
Classification: Uncertain significance for Cardiovascular phenotype. Last evaluated: 2024-03-04. Review status: criteria provided, single submitter. Criteria: Ambry Variant Classification Scheme 2023. Collection method: clinical testing. Allele origin: germline.
Comment: The p.R3195H variant (also known as c.9584G>A), located in coding exon 66 of the DMD gene, results from a G to A substitution at nucleotide position 9584. The arginine at codon 3195 is replaced by histidine, an amino acid with highly similar properties. Based on data from gnomAD, the A allele has an overall frequency of 0.0006% (1/180234) total alleles studied, with 1 hemizygote(s) observed. The highest observed frequency was 0.0073% (1/13750) of East Asian alleles. This amino acid position is highly conserved in available vertebrate species. In addition, this alteration is predicted to be deleterious by in silico analysis. Since supporting evidence is limited at this time, the clinical significance of this alteration remains unclear.